The following is an entry in ClinVar:

NM_004519.4(KCNQ3):c.2392G>A (p.Glu798Lys)

Gene: KCNQ3 (potassium voltage-gated channel subfamily Q member 3; minus strand). Cytogenetic location: 8q24.22.
Variant type: single nucleotide variant.
Coding change: c.2392G>A on transcript NM_004519.4 (MANE Select); coding-DNA position 2392, G replaced by A.
Protein change: p.Glu798Lys; replaces glutamic acid 798 with lysine.
Molecular consequence: missense variant.
Genome position (GRCh38, 1-based): chr8:132,129,489, C>T on the plus strand (G>A on the coding strand, the complement: KCNQ3 is on the minus strand). VCF-style: chr8-132129489-C-T. GRCh37 (hg19) VCF-style: chr8-133141736-C-T.
Other names: c.2032G>A, p.Glu678Lys (NM_001204824.2); short protein forms E798K, E678K.
Identifiers: ClinVar variation 2467599 (VCV002467599.4), dbSNP rs1277414579, ClinGen allele CA372215998.

ClinVar aggregate classification (germline): Uncertain significance. Review status: criteria provided, multiple submitters, no conflicts (2 of 4 stars). 2 submissions from 2 submitters: Uncertain significance (2). Last evaluated 2024-05-09.

Conditions:
Inborn genetic diseases. Identifiers: MedGen C0950123, MeSH D030342.
Benign neonatal seizures. Also called: Benign familial neonatal seizures; Benign familial neonatal epilepsy; Benign neonatal familial convulsions; Convulsions benign familial neonatal dominant form; Autosomal dominant form of benign neonatal seizures. Identifiers: Orphanet 1949, MedGen C0220669, MONDO:0016027.

Allele frequency attached by ClinVar (database versions not stated): gnomAD exomes below 0.00001; gnomAD 0.00001.
gnomAD v4.1: 4 of 1,614,086 alleles (0.00025%); highest among the groups gnomAD compares: Admixed American, 0.0033%; no homozygotes.

Submissions (2):

Labcorp Genetics (formerly Invitae), Labcorp
Classification: Uncertain significance for Benign neonatal seizures. Last evaluated: 2024-05-09. Review status: criteria provided, single submitter. Criteria: Invitae Variant Classification Sherloc (09022015). Collection method: clinical testing. Allele origin: germline.
Comment: This sequence change replaces glutamic acid, which is acidic and polar, with lysine, which is basic and polar, at codon 798 of the KCNQ3 protein (p.Glu798Lys). This variant is present in population databases (no rsID available, gnomAD 0.006%). This variant has not been reported in the literature in individuals affected with KCNQ3-related conditions. ClinVar contains an entry for this variant (Variation ID: 2467599). Advanced modeling of protein sequence and biophysical properties (such as structural, functional, and spatial information, amino acid conservation, physicochemical variation, residue mobility, and thermodynamic stability) has been performed at Invitae for this missense variant, however the output from this modeling did not meet the statistical confidence thresholds required to predict the impact of this variant on KCNQ3 protein function. In summary, the available evidence is currently insufficient to determine the role of this variant in disease. Therefore, it has been classified as a Variant of Uncertain Significance.

Ambry Genetics
Classification: Uncertain significance for Inborn genetic diseases. Last evaluated: 2023-01-11. Review status: criteria provided, single submitter. Criteria: Ambry Variant Classification Scheme 2023. Collection method: clinical testing. Allele origin: germline.